The following is an entry in ClinVar:

ClinVar aggregate classification (germline): Uncertain significance (1 of 4 stars; one submission).

Conditions:
Hereditary pancreatitis (PCTT). Also called: Hereditary chronic pancreatitis; PRSS1-Related Hereditary Pancreatitis. Identifiers: Orphanet 676, MedGen C0238339, MONDO:0008185, OMIM 167800.

gnomAD v4.1: 1 of 1,613,852 alleles (0.000062%); no homozygotes.

Submission:

Ambry Genetics
Classification: Uncertain significance for Hereditary pancreatitis. Last evaluated: 2023-09-22. Review status: criteria provided, single submitter. Criteria: Ambry Variant Classification Scheme 2023. Collection method: clinical testing. Allele origin: germline.
Comment: The p.R67L variant (also known as c.200G>T), located in coding exon 4 of the SPINK1 gene, results from a G to T substitution at nucleotide position 200. The arginine at codon 67 is replaced by leucine, an amino acid with dissimilar properties. This amino acid position is conserved. In addition, this alteration is predicted to be tolerated by in silico analysis. Since supporting evidence is limited at this time, the clinical significance of this alteration remains unclear.

NM_001379610.1(SPINK1):c.200G>T (p.Arg67Leu)

Gene: SPINK1 (serine peptidase inhibitor Kazal type 1; minus strand). Cytogenetic location: 5q32.
Variant type: single nucleotide variant.
Coding change: c.200G>T on transcript NM_001379610.1 (MANE Select); coding-DNA position 200, G replaced by T.
Protein change: p.Arg67Leu; replaces arginine 67 with leucine.
Molecular consequence: missense variant.
Genome position (GRCh38, 1-based): chr5:147,824,701, C>A on the plus strand (G>T on the coding strand, the complement: SPINK1 is on the minus strand). VCF-style: chr5-147824701-C-A. GRCh37 (hg19) VCF-style: chr5-147204264-C-A.
Other names: c.200G>T, p.Arg67Leu (NM_001354966.2, NM_003122.5); short protein forms R67L.
Identifiers: ClinVar variation 1784388 (VCV001784388.2), dbSNP rs35523678, ClinGen allele CA361885132.